The following is an entry in ClinVar:

ClinVar aggregate classification (germline): Benign. Review status: criteria provided, multiple submitters, no conflicts (2 of 4 stars). 5 submissions from 5 submitters: Benign (5). Last evaluated 2021-11-07.

Conditions:
Bartsocas-Papas syndrome 1. Also called: MULTIPLE PTERYGIUM SYNDROME, ASLAN TYPE; Bartsocas-Papas syndrome; PTERYGIUM, POPLITEAL, LETHAL TYPE. Identifiers: Orphanet 1234, MedGen C1849718, MONDO:0009901, OMIM 263650.

Allele frequency attached by ClinVar (database versions not stated): gnomAD 0.42182 and 0.41922; 1000 Genomes Project 30x 0.43660; gnomAD exomes 0.44138 and 0.45050; TOPMed 0.42163; 1000 Genomes Project 0.44010; ExAC 0.45174; ESP Exome Variant Server 0.39549.
gnomAD v4.1: 697,128 of 1,586,898 alleles (44%); highest among the groups gnomAD compares: East Asian, 61%; 154,745 homozygotes.

Submissions (5):

Genome-Nilou Lab
Classification: Benign for Bartsocas-Papas syndrome 1. Last evaluated: 2021-11-07. Review status: criteria provided, single submitter. Criteria: ACMG Guidelines, 2015. Collection method: clinical testing. Allele origin: germline. Affected: no.

GeneDx
Classification: Benign. Last evaluated: 2019-10-02. Review status: criteria provided, single submitter. Criteria: GeneDx Variant Classification Process June 2021. Collection method: clinical testing. Allele origin: germline. Affected: yes.

Illumina Laboratory Services, Illumina
Classification: Benign for Bartsocas-Papas syndrome 1. Last evaluated: 2018-01-13. Review status: criteria provided, single submitter. Criteria: ICSL Variant Classification Criteria 13 December 2019. Collection method: clinical testing. Allele origin: germline.
Comment: This variant was observed in the ICSL laboratory as part of a predisposition screen in an ostensibly healthy population. It had not been previously curated by ICSL or reported in the Human Gene Mutation Database (HGMD: prior to June 1st, 2018), and was therefore a candidate for classification through an automated scoring system. Utilizing variant allele frequency, disease prevalence and penetrance estimates, and inheritance mode, an automated score was calculated to assess if this variant is too frequent to cause the disease. Based on the score and internal cut-off values, a variant classified as benign is not then subjected to further curation. The score for this variant resulted in a classification of benign for this disease.

Breakthrough Genomics
Classification: Benign. Review status: criteria provided, single submitter. Criteria: ACMG Guidelines, 2015. Collection method: not provided. Allele origin: germline. Inheritance: Autosomal recessive inheritance. Affected: yes.

PreventionGenetics, part of Exact Sciences
Classification: Benign. Review status: criteria provided, single submitter. Criteria: ACMG Guidelines, 2015. Collection method: clinical testing. Allele origin: germline.

NM_020639.3(RIPK4):c.1203C>T (p.Gly401=)

Gene: RIPK4 (receptor interacting serine/threonine kinase 4; minus strand). Cytogenetic location: 21q22.3.
Variant type: single nucleotide variant.
Coding change: c.1203C>T on transcript NM_020639.3 (MANE Select); coding-DNA position 1203, C replaced by T.
Protein change: p.Gly401=; no amino-acid change (glycine 401 retained).
Molecular consequence: synonymous variant.
Genome position (GRCh38, 1-based): chr21:41,741,990, G>A on the plus strand (C>T on the coding strand, the complement: RIPK4 is on the minus strand). VCF-style: chr21-41741990-G-A. GRCh37 (hg19) VCF-style: chr21-43162150-G-A.
Identifiers: ClinVar variation 261347 (VCV000261347.12), dbSNP rs3746894, ClinGen allele CA10035355.
Genomic context (GRCh38, chr21:41,741,990, plus strand): 5'-TTTGCTGGTGTCCCCGGACACGATGGCATCCACAAGCTTCTTCTTCTGGACGTCTGTGGT[G>A]CCCAGATCTGCAGGGAGAGGAGAGGCAAAGGTCAGAGCGTGGCTGCACATCCAGGGACGT-3'
Protein context (NP_065690.2, residues 391-411): FEREPSTSDL[Gly401=]TTDVQKKKLV